The following is an entry in ClinVar:

NM_152703.5(SAMD9L):c.2897C>T (p.Thr966Ile)

Gene: SAMD9L (sterile alpha motif domain containing 9 like; minus strand). Cytogenetic location: 7q21.2.
Variant type: single nucleotide variant.
Coding change: c.2897C>T on transcript NM_152703.5 (MANE Select); coding-DNA position 2897, C replaced by T.
Protein change: p.Thr966Ile; replaces threonine 966 with isoleucine.
Molecular consequence: missense variant.
Genome position (GRCh38, 1-based): chr7:93,133,075, G>A on the plus strand (C>T on the coding strand, the complement: SAMD9L is on the minus strand). VCF-style: chr7-93133075-G-A. GRCh37 (hg19) VCF-style: chr7-92762388-G-A.
Other names: c.2897C>T, p.Thr966Ile (NM_001303496.3, NM_001303497.3, NM_001303498.3 and 5 more transcripts); short protein forms T966I.
Identifiers: ClinVar variation 3437252 (VCV003437252.2).

ClinVar aggregate classification (germline): Uncertain significance (1 of 4 stars; one submission).

Conditions:
Inborn genetic diseases. Identifiers: MedGen C0950123, MeSH D030342.

gnomAD v4.1: 2 of 1,613,342 alleles (0.00012%); highest among the groups gnomAD compares: Non-Finnish European, 0.00017%; no homozygotes.

Submission:

Ambry Genetics
Classification: Uncertain significance for Inborn genetic diseases. Last evaluated: 2025-08-25. Review status: criteria provided, single submitter. Criteria: Ambry Variant Classification Scheme 2023. Collection method: clinical testing. Allele origin: germline.
Comment: The p.T966I variant (also known as c.2897C>T), located in coding exon 1 of the SAMD9L gene, results from a C to T substitution at nucleotide position 2897. The threonine at codon 966 is replaced by isoleucine, an amino acid with similar properties. This amino acid position is conserved. In addition, this alteration is predicted to be tolerated by in silico analysis. Based on the available evidence, the clinical significance of this variant remains unclear.